The following is an entry in ClinVar:

NM_004369.4(COL6A3):c.5264C>T (p.Ser1755Leu)

Gene: COL6A3 (collagen type VI alpha 3 chain; minus strand). Cytogenetic location: 2q37.3.
Variant type: single nucleotide variant.
Coding change: c.5264C>T on transcript NM_004369.4 (MANE Select); coding-DNA position 5264, C replaced by T.
Protein change: p.Ser1755Leu; replaces serine 1755 with leucine.
Molecular consequence: missense variant.
Genome position (GRCh38, 1-based): chr2:237,366,923, G>A on the plus strand (C>T on the coding strand, the complement: COL6A3 is on the minus strand). VCF-style: chr2-237366923-G-A. GRCh37 (hg19) VCF-style: chr2-238275566-G-A.
Other names: c.3443C>T, p.Ser1148Leu (NM_057166.5); c.4646C>T, p.Ser1549Leu (NM_057167.4); c.5264C>T (NM_004369.3); short protein forms S1148L, S1549L, S1755L.
Identifiers: ClinVar variation 1048911 (VCV001048911.7), dbSNP rs764975992, ClinGen allele CA2188711.

ClinVar aggregate classification (germline): Uncertain significance. Review status: criteria provided, multiple submitters, no conflicts (2 of 4 stars). 3 submissions from 3 submitters: Uncertain significance (2). 1 of the submissions does not count toward it. Last evaluated 2024-01-26.

Conditions:
Bethlem myopathy 1A. Also called: Bethlem Muscular Dystrophy; MYOPATHY, BENIGN CONGENITAL, WITH CONTRACTURES; Bethlem myopathy 1. Identifiers: Orphanet 610, MedGen CN029274, MONDO:0024530, OMIM 158810.
Inborn genetic diseases. Identifiers: MedGen C0950123, MeSH D030342.

Allele frequency attached by ClinVar (database versions not stated): ExAC 0.00002; gnomAD exomes 0.00002 and 0.00001; gnomAD 0.00001; TOPMed 0.00001; 1000 Genomes Project 30x 0.00016.
gnomAD v4.1: 18 of 1,614,206 alleles (0.0011%); highest among the groups gnomAD compares: Middle Eastern, 0.016%; no homozygotes.

Submissions (3):

Labcorp Genetics (formerly Invitae), Labcorp
Classification: Uncertain significance for Bethlem myopathy 1A. Last evaluated: 2024-01-26. Review status: criteria provided, single submitter. Criteria: Invitae Variant Classification Sherloc (09022015). Collection method: clinical testing. Allele origin: germline.
Comment: This sequence change replaces serine, which is neutral and polar, with leucine, which is neutral and non-polar, at codon 1755 of the COL6A3 protein (p.Ser1755Leu). This variant is present in population databases (rs764975992, gnomAD 0.009%). This missense change has been observed in individual(s) with clinical features of skeletal muscle collagenopathy (PMID: 34418069). ClinVar contains an entry for this variant (Variation ID: 1048911). Advanced modeling of protein sequence and biophysical properties (such as structural, functional, and spatial information, amino acid conservation, physicochemical variation, residue mobility, and thermodynamic stability) performed at Invitae indicates that this missense variant is not expected to disrupt COL6A3 protein function with a negative predictive value of 80%. In summary, the available evidence is currently insufficient to determine the role of this variant in disease. Therefore, it has been classified as a Variant of Uncertain Significance.

Ambry Genetics
Classification: Uncertain significance for Inborn genetic diseases. Last evaluated: 2021-08-12. Review status: criteria provided, single submitter. Criteria: Ambry Variant Classification Scheme 2023. Collection method: clinical testing. Allele origin: germline.

Department of Pathology and Laboratory Medicine, Sinai Health System
Classification: Uncertain significance. Review status: no assertion criteria provided. Collection method: clinical testing. Allele origin: unknown. Affected: yes. Study: The Canadian Open Genetics Repository (COGR). Not counted in ClinVar's aggregate classification.
Comment: The COL6A3 p.Ser1549Leu variant was not identified in the literature nor was it identified in ClinVar. The variant was identified in dbSNP (ID: rs764975992) and in control databases in 5 of 251464 chromosomes at a frequency of 0.00001988 (Genome Aggregation Database March 6, 2019, v2.1.1). The variant was observed in the following populations: European (Finnish) in 2 of 21646 chromosomes (freq: 0.000092), South Asian in 1 of 30616 chromosomes (freq: 0.000033) and European (non-Finnish) in 2 of 113746 chromosomes (freq: 0.000018), but was not observed in the African, Latino, Ashkenazi Jewish, East Asian, or Other populations. The p.Ser1549 residue is conserved across mammals and other organisms, and computational analyses (PolyPhen-2, SIFT, AlignGVGD, BLOSUM, MutationTaster) suggest that the variant may impact the protein; however, this information is not predictive enough to assume pathogenicity. The variant occurs outside of the splicing consensus sequence and 1 of 4 in silico or computational prediction software programs (SpliceSiteFinder, MaxEntScan, NNSPLICE, GeneSplicer) predict a greater than 10% difference in splicing; this is not very predictive of pathogenicity. In summary, based on the above information the clinical significance of this variant cannot be determined with certainty at this time. This variant is classified as a variant of uncertain significance.

Literature cited by the submitters: PubMed 34418069 (cited by Labcorp Genetics (formerly Invitae), Labcorp).